The following is an entry in ClinVar:

NM_000551.4(VHL):c.463+4C>G

Genes: VHL (von Hippel-Lindau tumor suppressor; plus strand), LOC107303340 (3p25 von Hippel-Lindau tumor suppressor, E3 ubiquitin protein ligase Alu-mediated recombination region; plus strand). Cytogenetic location: 3p25.3.
Variant type: single nucleotide variant.
Coding change: c.463+4C>G on transcript NM_000551.4 (MANE Select); 4 bases into the intron after coding-DNA position 463, C replaced by G.
Molecular consequence: intron variant.
Genome position (GRCh38, 1-based): chr3:10,146,640, C>G. VCF-style: chr3-10146640-C-G. GRCh37 (hg19) VCF-style: chr3-10188324-C-G.
Other names: c.*18-3147C>G (NM_001354723.2); c.341-3147C>G (NM_198156.3).
Identifiers: ClinVar variation 1742039 (VCV001742039.4), dbSNP rs879253989, ClinGen allele CA1139768329.

ClinVar aggregate classification (germline): Conflicting classifications of pathogenicity. Review status: criteria provided, conflicting classifications (1 of 4 stars). 2 submissions from 2 submitters: Likely pathogenic (1); Uncertain significance (1). Last evaluated 2024-11-07.

Conditions:
Hereditary cancer-predisposing syndrome. Also called: Neoplastic Syndromes, Hereditary; Tumor predisposition; Hereditary Cancer Syndrome; Hereditary neoplastic syndrome. Identifiers: Orphanet 140162, MedGen C0027672, MeSH D009386, MONDO:0015356.
Von Hippel-Lindau syndrome (VHLS). Also called: von Hippel–Lindau syndrome; VHL syndrome; Von Hippel-Lindau. Identifiers: Orphanet 892, MedGen C0019562, MONDO:0008667, OMIM 193300. Disease mechanism: loss of function.

Submissions (2):

Molecular Pathology, Peter Maccallum Cancer Centre
Classification: Likely pathogenic for Von Hippel-Lindau syndrome. Last evaluated: 2024-11-07. Review status: criteria provided, single submitter. Criteria: ACMG Guidelines, 2015. Collection method: clinical testing. Allele origin: germline. Inheritance: Autosomal dominant inheritance.

Ambry Genetics
Classification: Uncertain significance for Hereditary cancer-predisposing syndrome. Last evaluated: 2023-01-11. Review status: criteria provided, single submitter. Criteria: Ambry Variant Classification Scheme 2023. Collection method: clinical testing. Allele origin: germline.
Comment: The c.463+4C>G intronic variant results from a C to G substitution 4 nucleotides after coding exon 2 in the VHL gene. This alteration was detected in a family with history of hemangioblastoma and pheochromocytoma with reduced penetrance (Sexton A et al. J Genet Couns, 2015 Dec;24:882-9). In a functional RNA study, this alteration was seen with increased in-frame skipping of exon 2 relative to normal controls in an agarose gel (Sexton A et al. J Genet Couns, 2015 Dec;24:882-9). This nucleotide position is well conserved in available vertebrate species. In silico splice site analysis for this alteration is inconclusive, and direct evidence is insufficient at this time (Ambry internal data). Since supporting evidence is limited at this time, the clinical significance of this alteration remains unclear.

Literature cited by the submitters: PubMed 26323595 (cited by Ambry Genetics).